The following is an entry in ClinVar:

ClinVar aggregate classification (germline): Uncertain significance (1 of 4 stars; one submission).

Conditions:
Familial cancer of breast. Also called: hereditary breast carcinoma; Hereditary breast cancer; BREAST CANCER, FAMILIAL. Identifiers: Orphanet 227535, MedGen C0346153, MONDO:0016419, OMIM 114480. Disease mechanism: loss of function.

Submission:

Labcorp Genetics (formerly Invitae), Labcorp
Classification: Uncertain significance for Familial cancer of breast. Last evaluated: 2021-09-15. Review status: criteria provided, single submitter. Criteria: Invitae Variant Classification Sherloc (09022015). Collection method: clinical testing. Allele origin: germline.
Comment: This variant has not been reported in the literature in individuals affected with CHEK2-related conditions. Algorithms developed to predict the effect of missense changes on protein structure and function are either unavailable or do not agree on the potential impact of this missense change (SIFT: "Deleterious"; PolyPhen-2: "Probably Damaging"; Align-GVGD: "Class C0"). In summary, the available evidence is currently insufficient to determine the role of this variant in disease. Therefore, it has been classified as a Variant of Uncertain Significance. This sequence change replaces valine with phenylalanine at codon 415 of the CHEK2 protein (p.Val415Phe). The valine residue is highly conserved and there is a small physicochemical difference between valine and phenylalanine. This variant is not present in population databases (ExAC no frequency).

NM_007194.4(CHEK2):c.1243G>T (p.Val415Phe)

Gene: CHEK2 (checkpoint kinase 2; minus strand). Cytogenetic location: 22q12.1.
Variant type: single nucleotide variant.
Coding change: c.1243G>T on transcript NM_007194.4 (MANE Select); coding-DNA position 1243, G replaced by T.
Protein change: p.Val415Phe; replaces valine 415 with phenylalanine.
Molecular consequence: missense variant.
Genome position (GRCh38, 1-based): chr22:28,695,726, C>A on the plus strand (G>T on the coding strand, the complement: CHEK2 is on the minus strand). VCF-style: chr22-28695726-C-A. GRCh37 (hg19) VCF-style: chr22-29091714-C-A.
Other names: c.1372G>T, p.Val458Phe (NM_001005735.3); c.580G>T, p.Val194Phe (NM_001257387.3); c.1042G>T, p.Val348Phe (NM_001349956.3); c.1156G>T, p.Val386Phe (NM_145862.3); short protein forms V194F, V348F, V386F, V415F, V458F.
Identifiers: ClinVar variation 1480369 (VCV001480369.7), dbSNP rs1601721900, ClinGen allele CA411096581.